The following is an entry in ClinVar:

NM_007294.4(BRCA1):c.77T>G (p.Ile26Ser)

Gene: BRCA1 (BRCA1 DNA repair associated; minus strand). Cytogenetic location: 17q21.31.
Variant type: single nucleotide variant.
Coding change: c.77T>G on transcript NM_007294.4 (MANE Select); coding-DNA position 77, T replaced by G.
Protein change: p.Ile26Ser; replaces isoleucine 26 with serine.
Molecular consequence: missense variant. On other transcripts: 5 prime UTR variant (1), non-coding transcript variant (1).
Genome position (GRCh38, 1-based): chr17:43,124,020, A>C on the plus strand (T>G on the coding strand, the complement: BRCA1 is on the minus strand). VCF-style: chr17-43124020-A-C. GRCh37 (hg19) VCF-style: chr17-41276037-A-C.
Other names: c.-112T>G (NM_001407571.1, NM_001407853.1, NM_001407879.1 and 46 more transcripts); c.77T>G, p.Ile26Ser (NM_001407581.1, NM_001407582.1, NM_001407583.1 and 193 more transcripts); c.-181T>G (NM_001407694.1, NM_001407724.1, NM_001407727.1 and 11 more transcripts); c.-185T>G (NM_001407695.1, NM_001408465.1); c.-326T>G (NM_001407696.1); c.-210T>G (NM_001407697.1, NM_001407846.1, NM_001407920.1); c.-11T>G (NM_001407698.1, NM_001407732.1, NM_001407736.1 and 23 more transcripts); c.-184T>G (NM_001407725.1, NM_001407730.1, NM_001407734.1 and 22 more transcripts); and 8 more; short protein forms I26S.
Identifiers: ClinVar variation 867746 (VCV000867746.3), dbSNP rs879255496, ClinGen allele CA10602003.

Conditions:
Breast-ovarian cancer, familial, susceptibility to, 1 (BROVCA1). Also called: BRCA1 Hereditary Breast and Ovarian Cancer; OVARIAN CANCER, SUSCEPTIBILITY TO. Identifiers: Orphanet 145, MedGen C2676676, MONDO:0011450, OMIM 604370. Disease mechanism: loss of function.

Submission:

Brotman Baty Institute, University of Washington
No classification provided (evidence only). Condition: Breast-ovarian cancer, familial 1. Review status: no classification provided. Collection method: in vitro. Allele origin: not applicable. Functional consequence: function_uncertain_variant.
ClinVar note: "not provided" was previously submitted as the classification for the variant. However, the classification appeared to be based only on an observation of functional data so it was converted to no classification on 2025-07-30.